The following is an entry in ClinVar:

NM_000540.3(RYR1):c.3662G>C (p.Gly1221Ala)

Gene: RYR1 (ryanodine receptor 1; plus strand). Cytogenetic location: 19q13.2.
Variant type: single nucleotide variant.
Coding change: c.3662G>C on transcript NM_000540.3 (MANE Select); coding-DNA position 3662, G replaced by C.
Protein change: p.Gly1221Ala; replaces glycine 1221 with alanine.
Molecular consequence: missense variant.
Genome position (GRCh38, 1-based): chr19:38,469,410, G>C. VCF-style: chr19-38469410-G-C. GRCh37 (hg19) VCF-style: chr19-38960050-G-C.
Other names: c.3662G>C, p.Gly1221Ala (NM_001042723.2); short protein forms G1221A.
Identifiers: ClinVar variation 4886109 (VCV004886109.2).
Genomic context (GRCh38, chr19:38,469,410, plus strand): 5'-TGAACCTGGGCCAGGACGTGAGCTCTCTGAGGTTCTTTGCCATCTGTGGCCTCCAGGAAG[G>C]CTTCGAGCCATTTGCCATCAACATGCAGCGCCCAGTCACCACCTGGTTCAGCAAAGGCCT-3'
Protein context (NP_000531.2, residues 1211-1231): RFFAICGLQE[Gly1221Ala]FEPFAINMQR

ClinVar aggregate classification (germline): Uncertain significance (1 of 4 stars; one submission).

gnomAD v4.1: 1 of 1,614,132 alleles (0.000062%); highest among the groups gnomAD compares: Non-Finnish European, 0.000085%; no homozygotes.

Submission:

Dasa
Classification: Uncertain significance. Last evaluated: 2025-08-21. Review status: criteria provided, single submitter. Criteria: DASA Assertion Criteria. Collection method: clinical testing. Allele origin: germline.
Comment: NM_000540.3(RYR1):c.3662G>C (p.Gly1221Ala) is a missense variant that results in the substitution of glycine with alanine. This variant is rare in population databases. Computational prediction algorithms are consistent with a deleterious effect. The currently available literature and clinical evidence are not sufficient to establish a definitive association between this variant and the reported condition. Therefore, this variant is classified as a variant of uncertain significance.